The following is an entry in ClinVar:

NM_000548.5(TSC2):c.1946+15G>A

Gene: TSC2 (TSC complex subunit 2; plus strand). Cytogenetic location: 16p13.3.
Variant type: single nucleotide variant.
Coding change: c.1946+15G>A on transcript NM_000548.5 (MANE Select); 15 bases into the intron after coding-DNA position 1946, G replaced by A.
Molecular consequence: intron variant.
Genome position (GRCh38, 1-based): chr16:2,071,631, G>A. VCF-style: chr16-2071631-G-A. GRCh37 (hg19) VCF-style: chr16-2121632-G-A.
Other names: c.1946+15G>A (NM_001114382.3, NM_021055.3, NM_001370405.1 and 3 more transcripts); c.1835+15G>A (NM_001318827.2); c.1346+15G>A (NM_001318831.2); c.1799+15G>A (NM_001318829.2); c.1979+15G>A (NM_001318832.2).
Identifiers: ClinVar variation 378783 (VCV000378783.14), dbSNP rs752601710, ClinGen allele CA034682.

ClinVar aggregate classification (germline): Likely benign. Review status: criteria provided, multiple submitters, no conflicts (2 of 4 stars). 6 submissions from 6 submitters: Likely benign (6). Last evaluated 2026-02-01.

Conditions:
Tuberous sclerosis syndrome (TSC). Also called: Tuberous sclerosis; Tuberous Sclerosis Complex. Identifiers: Orphanet 805, MedGen C0041341, MONDO:0001734.
Tuberous sclerosis 2 (TSC2). Identifiers: Orphanet 805, MedGen C1860707, MONDO:0013199, OMIM 613254.
Lymphangiomyomatosis (LAM). Also called: Lymphangioleiomyomatosis, somatic; Lymphangioleiomyomatosis. Identifiers: Orphanet 538, MedGen C0751674, MONDO:0011705, OMIM 606690.
Isolated focal cortical dysplasia type II (FCORD2). Also called: CORTICAL DYSPLASIA OF TAYLOR; Focal cortical dysplasia type II. Identifiers: Orphanet 268994, MedGen C1846385, MONDO:0011818, OMIM 607341, HP:0032051.

Allele frequency attached by ClinVar (database versions not stated): gnomAD exomes 0.00003 and 0.00006; ExAC 0.00005; gnomAD 0.00006 and 0.00007; TOPMed 0.00008.
gnomAD v4.1: 57 of 1,612,858 alleles (0.0035%); highest among the groups gnomAD compares: Admixed American, 0.015%; 1 homozygote.

Submissions (6):

Labcorp Genetics (formerly Invitae), Labcorp
Classification: Likely benign for Tuberous sclerosis 2. Last evaluated: 2026-02-01. Review status: criteria provided, single submitter. Criteria: Invitae Variant Classification Sherloc (09022015). Collection method: clinical testing. Allele origin: germline.

Department of Pathology and Laboratory Medicine, Sinai Health System
Classification: Likely benign for tuberous sclerosis. Last evaluated: 2024-12-13. Review status: criteria provided, single submitter. Criteria: ACMG Guidelines, 2015. Collection method: clinical testing. Allele origin: germline.

Blueprint Genetics
Classification: Likely benign. Last evaluated: 2024-02-19. Review status: criteria provided, single submitter. Criteria: ACMG Guidelines, 2015. Collection method: clinical testing. Allele origin: germline.

ARUP Laboratories, Molecular Genetics and Genomics, ARUP Laboratories
Classification: Likely benign. Last evaluated: 2022-04-06. Review status: criteria provided, single submitter. Criteria: ARUP Molecular Germline Variant Investigation Process 2021. Collection method: clinical testing. Allele origin: germline.

Fulgent Genetics
Classification: Likely benign for Lymphangiomyomatosis; Isolated focal cortical dysplasia type II; Tuberous sclerosis 2. Last evaluated: 2021-12-15. Review status: criteria provided, single submitter. Criteria: ACMG Guidelines, 2015. Collection method: clinical testing. Allele origin: unknown.

GeneDx
Classification: Likely benign. Last evaluated: 2018-01-03. Review status: criteria provided, single submitter. Criteria: GeneDx Variant Classification (06012015). Collection method: clinical testing. Allele origin: germline. Affected: yes.
Comment: This variant is considered likely benign or benign based on one or more of the following criteria: it is a conservative change, it occurs at a poorly conserved position in the protein, it is predicted to be benign by multiple in silico algorithms, and/or has population frequency not consistent with disease.